The following is an entry in ClinVar:

NM_002055.5(GFAP):c.770A>G (p.Tyr257Cys)

Gene: GFAP (glial fibrillary acidic protein; minus strand). Cytogenetic location: 17q21.31.
Variant type: single nucleotide variant.
Coding change: c.770A>G on transcript NM_002055.5 (MANE Select); coding-DNA position 770, A replaced by G.
Protein change: p.Tyr257Cys; replaces tyrosine 257 with cysteine.
Molecular consequence: missense variant.
Genome position (GRCh38, 1-based): chr17:44,913,279, T>C on the plus strand (A>G on the coding strand, the complement: GFAP is on the minus strand). VCF-style: chr17-44913279-T-C. GRCh37 (hg19) VCF-style: chr17-42990647-T-C.
Other names: c.770A>G, p.Tyr257Cys (NM_001131019.3, NM_001242376.3, NM_001363846.2); short protein forms Y257C.
Identifiers: ClinVar variation 66504 (VCV000066504.7), dbSNP rs267607505, ClinGen allele CA217220.

ClinVar aggregate classification (germline): Uncertain significance. Review status: criteria provided, single submitter (1 of 4 stars). 3 submissions from 3 submitters: Uncertain significance (1). 2 of the submissions do not count toward it. Last evaluated 2022-09-06.

Conditions:
Alexander disease (ALXDRD). Also called: Alexander's disease. Identifiers: Orphanet 58, MedGen C0270726, MONDO:0008752, OMIM 203450.

Submissions (3):

Labcorp Genetics (formerly Invitae), Labcorp
Classification: Uncertain significance. Last evaluated: 2022-09-06. Review status: criteria provided, single submitter. Criteria: Invitae Variant Classification Sherloc (09022015). Collection method: clinical testing. Allele origin: germline.
Comment: ClinVar contains an entry for this variant (Variation ID: 66504). This missense change has been observed in individual(s) with Alexander disease (PMID: 17960815). This variant is not present in population databases (gnomAD no frequency). This sequence change replaces tyrosine, which is neutral and polar, with cysteine, which is neutral and slightly polar, at codon 257 of the GFAP protein (p.Tyr257Cys). Algorithms developed to predict the effect of missense changes on protein structure and function (SIFT, PolyPhen-2, Align-GVGD) all suggest that this variant is likely to be disruptive. In summary, the available evidence is currently insufficient to determine the role of this variant in disease. Therefore, it has been classified as a Variant of Uncertain Significance. Experimental studies have shown that this missense change affects GFAP function (PMID: 17960815).

Epithelial Biology;  Institute of Medical Biology, Singapore
No classification provided. Review status: no classification provided. Collection method: not provided. Allele origin: not provided. Not counted in ClinVar's aggregate classification.

GeneReviews
No classification provided. Condition: Alexander disease. Review status: no classification provided. Collection method: literature only. Allele origin: germline. Affected: yes. Not counted in ClinVar's aggregate classification.

Literature cited by the submitters: PubMed 17960815 (cited by Labcorp Genetics (formerly Invitae), Labcorp and GeneReviews); NCBI Bookshelf NBK1172 (cited by GeneReviews).